The following is an entry in ClinVar:

NM_001365276.2(TNXB):c.6426_6428del (p.Gly2143del)

Gene: TNXB (tenascin XB; minus strand). Cytogenetic location: 6p21.33.
Variant type: Deletion.
Coding change: c.6426_6428del on transcript NM_001365276.2 (MANE Select); coding-DNA positions 6426 to 6428, 3 bases deleted (GGG; older notation c.6426_6428delGGG).
Protein change: p.Gly2143del; deletes glycine 2143.
Molecular consequence: inframe deletion.
Genome position (GRCh38, 1-based): chr6:32,067,777-32,067,779, CCC deleted on the plus strand (GGG on the coding strand, the reverse complement: TNXB is on the minus strand); deleting any 3 consecutive bases within chr6:32,067,777-32,067,781 gives the same sequence; the c. name uses the placement nearest the transcript's 3' end. VCF-style (leftmost placement, unchanged base first): chr6-32067776-GCCC-G. GRCh37 (hg19) VCF-style: chr6-32035553-GCCC-G.
Other names: c.6426_6428del, p.Gly2143del (NM_019105.8); short protein forms G2143del.
Identifiers: ClinVar variation 1753453 (VCV001753453.2), dbSNP rs1562824940, ClinGen allele CA566695161.

ClinVar aggregate classification (germline): Uncertain significance (1 of 4 stars; one submission).

Conditions:
Cardiovascular phenotype. Identifiers: MedGen CN230736.

Submission:

Ambry Genetics
Classification: Uncertain significance for Cardiovascular phenotype. Last evaluated: 2021-06-01. Review status: criteria provided, single submitter. Criteria: Ambry Variant Classification Scheme 2023. Collection method: clinical testing. Allele origin: germline.
Comment: The c.6426_6428delGGG variant (also known as p.G2143del) is located in coding exon 17 of the TNXB gene. This variant results from an in-frame GGG deletion at nucleotide positions 6426 to 6428. This results in the in-frame deletion of a glycine at codon 2143. This amino acid position is well conserved in available vertebrate species. In addition, this alteration is predicted to be deleterious by in silico analysis (Choi Y et al. PLoS ONE. 2012; 7(10):e46688). Since supporting evidence is limited at this time, the clinical significance of this alteration remains unclear.